The following is an entry in ClinVar:

ClinVar aggregate classification (germline): Benign. Review status: criteria provided, multiple submitters, no conflicts (2 of 4 stars). 4 submissions from 4 submitters: Benign (3). 1 of the submissions does not count toward it. Last evaluated 2026-02-03.

Conditions:
GUCY2C-related disorder. Also called: GUCY2C-related condition.

Allele frequency attached by ClinVar (database versions not stated): gnomAD 0.03003 and 0.03216; TOPMed 0.03467; 1000 Genomes Project 0.03474; ESP Exome Variant Server 0.03514; 1000 Genomes Project 30x 0.03560.
gnomAD v4.1: 9,319 of 1,583,472 alleles (0.59%); highest among the groups gnomAD compares: African/African-American, 11%; 421 homozygotes.

Submissions (4):

Labcorp Genetics (formerly Invitae), Labcorp
Classification: Benign. Last evaluated: 2026-02-03. Review status: criteria provided, single submitter. Criteria: Invitae Variant Classification Sherloc (09022015). Collection method: clinical testing. Allele origin: germline.

GeneDx
Classification: Benign. Last evaluated: 2021-06-09. Review status: criteria provided, single submitter. Criteria: GeneDx Variant Classification Process June 2021. Collection method: clinical testing. Allele origin: germline. Affected: yes.

Breakthrough Genomics
Classification: Benign. Review status: criteria provided, single submitter. Criteria: ACMG Guidelines, 2015. Collection method: not provided. Allele origin: germline. Inheritance: Autosomal recessive inheritance. Affected: yes.

PreventionGenetics, part of Exact Sciences
Classification: Benign for GUCY2C-related condition. Last evaluated: 2019-12-09. Review status: no assertion criteria provided. Collection method: clinical testing. Allele origin: germline. Not counted in ClinVar's aggregate classification.
Comment: This variant is classified as benign based on ACMG/AMP sequence variant interpretation guidelines (Richards et al. 2015 PMID: 25741868, with internal and published modifications).

NM_004963.4(GUCY2C):c.1283-7G>A

Gene: GUCY2C (guanylate cyclase 2C; minus strand). Cytogenetic location: 12p12.3.
Variant type: single nucleotide variant.
Coding change: c.1283-7G>A on transcript NM_004963.4 (MANE Select); 7 bases into the intron before coding-DNA position 1283, G replaced by A.
Molecular consequence: intron variant.
Genome position (GRCh38, 1-based): chr12:14,661,069, C>T on the plus strand (G>A on the coding strand, the complement: GUCY2C is on the minus strand). VCF-style: chr12-14661069-C-T. GRCh37 (hg19) VCF-style: chr12-14814003-C-T.
Identifiers: ClinVar variation 783657 (VCV000783657.16), dbSNP rs115651685, ClinGen allele CA6463465.